The following is an entry in ClinVar:

NM_170675.5(MEIS2):c.827G>A (p.Arg276His)

Gene: MEIS2 (Meis homeobox 2; minus strand). Cytogenetic location: 15q14.
Variant type: single nucleotide variant.
Coding change: c.827G>A on transcript NM_170675.5 (MANE Select); coding-DNA position 827, G replaced by A.
Protein change: p.Arg276His; replaces arginine 276 with histidine.
Molecular consequence: missense variant. On other transcripts: non-coding transcript variant (1).
Genome position (GRCh38, 1-based): chr15:37,036,887, C>T on the plus strand (G>A on the coding strand, the complement: MEIS2 is on the minus strand). VCF-style: chr15-37036887-C-T. GRCh37 (hg19) VCF-style: chr15-37329088-C-T.
Other names: c.827G>A, p.Arg276His (NM_001220482.2, NM_170674.5, NM_170676.5 and 1 more transcripts); c.788G>A, p.Arg263His (NM_002399.4, NM_172315.3); c.563G>A, p.Arg188His (NM_172316.3); short protein forms R188H, R263H, R276H.
Identifiers: ClinVar variation 4874488 (VCV004874488.2).

ClinVar aggregate classification (germline): Likely benign (1 of 4 stars; one submission).

gnomAD v4.1: 8 of 1,613,724 alleles (0.0005%); highest among the groups gnomAD compares: Admixed American, 0.0067%; no homozygotes.

Submission:

CeGaT Center for Human Genetics Tuebingen
Classification: Likely benign. Last evaluated: 2026-04-01. Review status: criteria provided, single submitter. Criteria: CeGaT Center For Human Genetics Tuebingen Variant Classification Criteria Version 2. Collection method: clinical testing. Allele origin: germline. Affected: yes. Observed: 1 variant allele.
Comment: MEIS2: PP2, PP3, BS2